The following is an entry in ClinVar:

ClinVar aggregate classification (germline): Benign. Review status: criteria provided, multiple submitters, no conflicts (2 of 4 stars). 2 submissions from 2 submitters: Benign (2). Last evaluated 2018-01-12.

Conditions:
Hereditary spastic paraplegia 6 (SPG6). Also called: SPASTIC PARAPLEGIA 6, AUTOSOMAL DOMINANT. Identifiers: Orphanet 100988, MedGen C1838192, MONDO:0010878, OMIM 600363.

Allele frequency attached by ClinVar (database versions not stated): gnomAD 0.00069 and 0.00106; TOPMed 0.00097; 1000 Genomes Project 30x 0.00609; 1000 Genomes Project 0.00619.

Submissions (2):

Illumina Laboratory Services, Illumina
Classification: Benign for Hereditary spastic paraplegia 6. Last evaluated: 2018-01-12. Review status: criteria provided, single submitter. Criteria: ICSL Variant Classification Criteria 13 December 2019. Collection method: clinical testing. Allele origin: germline.
Comment: This variant was observed in the ICSL laboratory as part of a predisposition screen in an ostensibly healthy population. It had not been previously curated by ICSL or reported in the Human Gene Mutation Database (HGMD: prior to June 1st, 2018), and was therefore a candidate for classification through an automated scoring system. Utilizing variant allele frequency, disease prevalence and penetrance estimates, and inheritance mode, an automated score was calculated to assess if this variant is too frequent to cause the disease. Based on the score and internal cut-off values, a variant classified as benign is not then subjected to further curation. The score for this variant resulted in a classification of benign for this disease.

Breakthrough Genomics
Classification: Benign. Review status: criteria provided, single submitter. Criteria: ACMG Guidelines, 2015. Collection method: not provided. Allele origin: germline. Inheritance: Autosomal dominant inheritance. Affected: yes.

NM_144599.5(NIPA1):c.*1724C>G

Gene: NIPA1 (NIPA magnesium transporter 1; plus strand). Cytogenetic location: 15q11.2.
Variant type: single nucleotide variant.
Coding change: c.*1724C>G on transcript NM_144599.5 (MANE Select); 1724 bases downstream of the stop codon, C replaced by G.
Molecular consequence: 3 prime UTR variant.
Genome position (GRCh38, 1-based): chr15:22,825,963, C>G. VCF-style: chr15-22825963-C-G. GRCh37 (hg19) VCF-style: chr15-23047105-G-C.
Other names: c.*1724C>G (NM_001142275.1).
Identifiers: ClinVar variation 315398 (VCV000315398.6), dbSNP rs61523596, ClinGen allele CA10646689.